The following is an entry in ClinVar:

NM_194248.3(OTOF):c.4394del (p.Pro1465fs)

Gene: OTOF (otoferlin; minus strand). Cytogenetic location: 2p23.3.
Variant type: Deletion.
Coding change: c.4394del on transcript NM_194248.3 (MANE Select); coding-DNA position 4394, one base deleted (C; older notation c.4394delC).
Protein change: p.Pro1465fs; shifts the reading frame from proline 1465.
Molecular consequence: frameshift variant.
Genome position (GRCh38, 1-based): chr2:26,466,820, G deleted on the plus strand (C on the coding strand, the reverse complement: OTOF is on the minus strand); the first of 3 consecutive G bases (chr2:26,466,820-26,466,822); deleting any one gives the same sequence. VCF-style (leftmost placement, unchanged base first): chr2-26466819-TG-T. GRCh37 (hg19) VCF-style: chr2-26689687-TG-T.
Other names: c.4394del, p.Pro1465fs (NM_001287489.2); c.2093del, p.Pro698fs (NM_004802.4, NM_194323.3); c.2324del, p.Pro775fs (NM_194322.3); short protein forms P1465fs, P698fs, P775fs.
Identifiers: ClinVar variation 3601547 (VCV003601547.1).

ClinVar aggregate classification (germline): Pathogenic (1 of 4 stars; one submission).

Conditions:
Autosomal recessive nonsyndromic hearing loss 9. Also called: NEUROSENSORY NONSYNDROMIC RECESSIVE DEAFNESS 9; OTOF-Related Hearing Loss; Deafness, autosomal recessive 9; AUDITORY NEUROPATHY, AUTOSOMAL RECESSIVE, 1, TEMPERATURE-SENSITIVE. Identifiers: Orphanet 90636, MedGen C1832828, MONDO:0010986, OMIM 601071.

Submission:

Institute of Rare Diseases, West China Hospital, Sichuan University
Classification: Pathogenic for Autosomal recessive nonsyndromic hearing loss 9. Last evaluated: 2025-01-09. Review status: criteria provided, single submitter. Criteria: ClinGen HL ACMG Specifications v1. Collection method: research. Allele origin: germline. Affected: yes.
Comment: PVS1;PM3;PM2_Supporting